The following is an entry in ClinVar:

ClinVar aggregate classification (germline): Benign/Likely benign. Review status: criteria provided, multiple submitters, no conflicts (2 of 4 stars). 3 submissions from 3 submitters: Benign (1); Likely benign (2). Last evaluated 2026-02-04.

Conditions:
SCLT1-related disorder. Also called: SCLT1-related condition.

Allele frequency attached by ClinVar (database versions not stated): gnomAD 0.00014 and 0.00015; TOPMed 0.00014; ESP Exome Variant Server 0.00015; ExAC 0.00021; gnomAD exomes 0.00026.
gnomAD v4.1: 228 of 1,611,896 alleles (0.014%); highest among the groups gnomAD compares: Admixed American, 0.01%; 1 homozygote.

Submissions (3):

Labcorp Genetics (formerly Invitae), Labcorp
Classification: Benign. Last evaluated: 2026-02-04. Review status: criteria provided, single submitter. Criteria: Invitae Variant Classification Sherloc (09022015). Collection method: clinical testing. Allele origin: germline.

PreventionGenetics, part of Exact Sciences
Classification: Likely benign for SCLT1-related condition. Last evaluated: 2025-05-20. Review status: criteria provided, single submitter. Criteria: ACMG Guidelines, 2015. Collection method: clinical testing. Allele origin: germline.
Comment: This variant is classified as likely benign based on ACMG/AMP sequence variant interpretation guidelines (Richards et al. 2015 PMID: 25741868, with internal and published modifications).

Blueprint Genetics
Classification: Likely benign. Last evaluated: 2024-11-26. Review status: criteria provided, single submitter. Criteria: ACMG Guidelines, 2015. Collection method: clinical testing. Allele origin: germline.

NM_144643.4(SCLT1):c.1596G>A (p.Lys532=)

Gene: SCLT1 (sodium channel and clathrin linker 1; minus strand). Cytogenetic location: 4q28.2.
Variant type: single nucleotide variant.
Coding change: c.1596G>A on transcript NM_144643.4 (MANE Select); coding-DNA position 1596, G replaced by A.
Protein change: p.Lys532=; no amino-acid change (lysine 532 retained).
Molecular consequence: synonymous variant.
Genome position (GRCh38, 1-based): chr4:128,943,032, C>T on the plus strand (G>A on the coding strand, the complement: SCLT1 is on the minus strand). VCF-style: chr4-128943032-C-T. GRCh37 (hg19) VCF-style: chr4-129864187-C-T.
Other names: c.1596G>A (NM_144643.3).
Identifiers: ClinVar variation 1167228 (VCV001167228.11), dbSNP rs148288466, ClinGen allele CA3079581.